The following is an entry in ClinVar:

ClinVar aggregate classification (germline): Uncertain significance. Review status: criteria provided, multiple submitters, no conflicts (2 of 4 stars). 3 submissions from 3 submitters: Uncertain significance (3). Last evaluated 2025-10-02.

Conditions:
Familial infantile myoclonic epilepsy (FIME). Also called: TBC1D24-Related Familial Infantile Myoclonic Epilepsy (FIME); Epilepsy, Myoclonic, Infantile. Identifiers: Orphanet 352582, MedGen C0917800, MONDO:0011506, OMIM 605021.
Developmental and epileptic encephalopathy, 1 (DEE1). Also called: INFANTILE SPASM SYNDROME, X-LINKED 1; X-linked infantile spasms; West's syndrome; Tonic spasms with clustering, arrest of psychomotor development and hypsarrhythmia on EEG; X-Linked Infantile Spasm Syndrome; OHTAHARA SYNDROME, X-LINKED. Identifiers: MedGen C3463992, MONDO:0010632, OMIM 308350. Disease mechanism: loss of function.
Autosomal dominant nonsyndromic hearing loss 65. Also called: TBC1D24-Related Autosomal Dominant Nonsyndromic Hearing Loss (DFNA); Deafness, autosomal dominant 65. Identifiers: Orphanet 90635, MedGen C3892048, MONDO:0014470, OMIM 616044.
Inborn genetic diseases. Identifiers: MedGen C0950123, MeSH D030342.

Allele frequency attached by ClinVar (database versions not stated): TOPMed 0.00002.
gnomAD v4.1: 21 of 1,613,122 alleles (0.0013%); highest among the groups gnomAD compares: East Asian, 0.0022%; no homozygotes.

Submissions (3):

Ambry Genetics
Classification: Uncertain significance for Inborn genetic diseases. Last evaluated: 2025-10-02. Review status: criteria provided, single submitter. Criteria: Ambry Variant Classification Scheme 2023. Collection method: clinical testing. Allele origin: germline.

Labcorp Genetics (formerly Invitae), Labcorp
Classification: Uncertain significance for Developmental and epileptic encephalopathy, 1; Autosomal dominant nonsyndromic hearing loss 65. Last evaluated: 2025-07-18. Review status: criteria provided, single submitter. Criteria: Invitae Variant Classification Sherloc (09022015). Collection method: clinical testing. Allele origin: germline.
Comment: This sequence change replaces valine, which is neutral and non-polar, with methionine, which is neutral and non-polar, at codon 82 of the TBC1D24 protein (p.Val82Met). This variant is present in population databases (rs747915584, gnomAD 0.006%). This variant has not been reported in the literature in individuals affected with TBC1D24-related conditions. ClinVar contains an entry for this variant (Variation ID: 887419). Invitae Evidence Modeling of protein sequence and biophysical properties (such as structural, functional, and spatial information, amino acid conservation, physicochemical variation, residue mobility, and thermodynamic stability) indicates that this missense variant is not expected to disrupt TBC1D24 protein function with a negative predictive value of 80%. In summary, the available evidence is currently insufficient to determine the role of this variant in disease. Therefore, it has been classified as a Variant of Uncertain Significance.

Illumina Laboratory Services, Illumina
Classification: Uncertain significance for Familial infantile myoclonic epilepsy. Last evaluated: 2018-03-30. Review status: criteria provided, single submitter. Criteria: ICSL Variant Classification Criteria 13 December 2019. Collection method: clinical testing. Allele origin: germline.

NM_001199107.2(TBC1D24):c.244G>A (p.Val82Met)

Gene: TBC1D24 (TBC1 domain family member 24; plus strand). Cytogenetic location: 16p13.3.
Variant type: single nucleotide variant.
Coding change: c.244G>A on transcript NM_001199107.2 (MANE Select); coding-DNA position 244, G replaced by A.
Protein change: p.Val82Met; replaces valine 82 with methionine.
Molecular consequence: missense variant.
Genome position (GRCh38, 1-based): chr16:2,496,392, G>A. VCF-style: chr16-2496392-G-A. GRCh37 (hg19) VCF-style: chr16-2546393-G-A.
Other names: c.244G>A, p.Val82Met (NM_020705.3); short protein forms V82M.
Identifiers: ClinVar variation 887419 (VCV000887419.13), dbSNP rs747915584, ClinGen allele CA7843960.
Genomic context (GRCh38, chr16:2,496,392, plus strand): 5'-ATTCCCTGCCGCACGGTCACGCCTGACGCCAGCGTGTACAGCGACATCGTGGGCAAGATC[G>A]TGGGCAAGCACAGCAGCAGCTGCCTGCCGCTGCCCGAGTTCGTGGACAACACGCAGGTGC-3'
Protein context (NP_001186036.1, residues 72-92): SVYSDIVGKI[Val82Met]GKHSSSCLPL